The following is an entry in ClinVar:

ClinVar aggregate classification (germline): Uncertain significance (1 of 4 stars; one submission).

Conditions:
Macrocephaly-developmental delay syndrome (MRT41). Also called: INTELLECTUAL DEVELOPMENTAL DISORDER, AUTOSOMAL RECESSIVE 41. Identifiers: Orphanet 397612, MedGen C3810225, MONDO:0014289, OMIM 615637.

Submission:

Labcorp Genetics (formerly Invitae), Labcorp
Classification: Uncertain significance for Macrocephaly-developmental delay syndrome. Last evaluated: 2022-09-07. Review status: criteria provided, single submitter. Criteria: Invitae Variant Classification Sherloc (09022015). Collection method: clinical testing. Allele origin: germline.
Comment: In summary, the available evidence is currently insufficient to determine the role of this variant in disease. Therefore, it has been classified as a Variant of Uncertain Significance. Algorithms developed to predict the effect of missense changes on protein structure and function (SIFT, PolyPhen-2, Align-GVGD) all suggest that this variant is likely to be disruptive. This variant has not been reported in the literature in individuals affected with KPTN-related conditions. This variant is not present in population databases (gnomAD no frequency). This sequence change replaces cysteine, which is neutral and slightly polar, with arginine, which is basic and polar, at codon 117 of the KPTN protein (p.Cys117Arg).

NM_007059.4(KPTN):c.349T>C (p.Cys117Arg)

Gene: KPTN (kaptin, actin binding protein; minus strand). Cytogenetic location: 19q13.32.
Variant type: single nucleotide variant.
Coding change: c.349T>C on transcript NM_007059.4 (MANE Select); coding-DNA position 349, T replaced by C.
Protein change: p.Cys117Arg; replaces cysteine 117 with arginine.
Molecular consequence: missense variant. On other transcripts: non-coding transcript variant (1), intron variant (1).
Genome position (GRCh38, 1-based): chr19:47,483,340, A>G on the plus strand (T>C on the coding strand, the complement: KPTN is on the minus strand). VCF-style: chr19-47483340-A-G. GRCh37 (hg19) VCF-style: chr19-47986597-A-G.
Other names: c.227-125T>C (NM_001291296.2); short protein forms C117R.
Identifiers: ClinVar variation 1932651 (VCV001932651.5), dbSNP rs2515251285, ClinGen allele CA406605890.